The following is an entry in ClinVar:

NM_001370100.5(ZMYND11):c.760G>T (p.Glu254Ter)

Gene: ZMYND11 (zinc finger MYND-type containing 11; plus strand). Cytogenetic location: 10p15.3.
Variant type: single nucleotide variant.
Coding change: c.760G>T on transcript NM_001370100.5 (MANE Select); coding-DNA position 760, G replaced by T.
Protein change: p.Glu254Ter; replaces glutamic acid 254 with a stop codon.
Molecular consequence: nonsense. On other transcripts: non-coding transcript variant (1), intron variant (1).
Genome position (GRCh38, 1-based): chr10:240,899, G>T. VCF-style: chr10-240899-G-T. GRCh37 (hg19) VCF-style: chr10-286839-G-T.
Other names: c.598G>T, p.Glu200Ter (NM_001202464.3, NM_001202467.1, NM_001370103.2 and 6 more transcripts); c.505G>T, p.Glu169Ter (NM_001202465.3, NM_001370110.2); c.595G>T, p.Glu199Ter (NM_001202466.3, NM_001370111.2); c.760G>T, p.Glu254Ter (NM_001202468.1, NM_001370097.3, NM_001370098.2 and 5 more transcripts); c.709G>T, p.Glu237Ter (NM_001330057.3, NM_001370112.2); c.667G>T, p.Glu223Ter (NM_001370113.2, NM_001370114.2); c.757G>T, p.Glu253Ter (NM_001370115.2, NM_212479.4); c.694G>T, p.Glu232Ter (NM_001370116.2); and 7 more; short protein forms E135*, E152*, E160*, E169*, E178*, E199*, E200*, E214*.
Identifiers: ClinVar variation 4293398 (VCV004293398.1).

ClinVar aggregate classification (germline): Likely pathogenic (1 of 4 stars; one submission).

Conditions:
Intellectual developmental disorder, autosomal dominant 30, with speech delay and behavioral abnormalities. Also called: Intellectual disability, autosomal dominant 30. Identifiers: Orphanet 436151, MedGen C4015167, MONDO:0014486, OMIM 616083.

Submission:

3billion
Classification: Likely pathogenic for Intellectual developmental disorder, autosomal dominant 30, with speech delay and behavioral abnormalities. Last evaluated: 2024-10-31. Review status: criteria provided, single submitter. Criteria: ACMG Guidelines, 2015. Collection method: clinical testing. Allele origin: germline. Affected: yes.
Comment: The variant is not observed in the gnomAD v4.1.0 dataset. Predicted Consequence/Location: Stop-gained (nonsense): predicted to result in a loss or disruption of normal protein function through nonsense-mediated decay (NMD) or protein truncation. Multiple pathogenic variants are reported downstream of the variant. Therefore, this variant is classified as Likely pathogenic according to the recommendation of ACMG/AMP guideline.